The following is an entry in ClinVar:

NM_002949.4(MRPL12):c.89G>C (p.Cys30Ser)

Gene: MRPL12 (mitochondrial ribosomal protein L12; plus strand). Cytogenetic location: 17q25.3.
Variant type: single nucleotide variant.
Coding change: c.89G>C on transcript NM_002949.4 (MANE Select); coding-DNA position 89, G replaced by C.
Protein change: p.Cys30Ser; replaces cysteine 30 with serine.
Molecular consequence: missense variant.
Genome position (GRCh38, 1-based): chr17:81,704,258, G>C. VCF-style: chr17-81704258-G-C. GRCh37 (hg19) VCF-style: chr17-79671288-G-C.
Other names: short protein forms C30S.
Identifiers: ClinVar variation 4805450 (VCV004805450.1).

ClinVar aggregate classification (germline): Uncertain significance (1 of 4 stars; one submission).

Submission:

Labcorp Genetics (formerly Invitae), Labcorp
Classification: Uncertain significance. Last evaluated: 2025-10-31. Review status: criteria provided, single submitter. Criteria: Invitae Variant Classification Sherloc (09022015). Collection method: clinical testing. Allele origin: germline.
Comment: This sequence change replaces cysteine, which is neutral and slightly polar, with serine, which is neutral and polar, at codon 30 of the MRPL12 protein (p.Cys30Ser). This variant is not present in population databases (gnomAD no frequency). This variant has not been reported in the literature in individuals affected with MRPL12-related conditions. An algorithm developed to predict the effect of missense changes on protein structure and function (PolyPhen-2) suggests that this variant is likely to be tolerated. In summary, the available evidence is currently insufficient to determine the role of this variant in disease. Therefore, it has been classified as a Variant of Uncertain Significance.